The following is an entry in ClinVar:

NM_001401501.2(MUC16):c.39446T>C (p.Leu13149Pro)

Gene: MUC16 (mucin 16, cell surface associated; minus strand). Cytogenetic location: 19p13.2.
Variant type: single nucleotide variant.
Coding change: c.39446T>C on transcript NM_001401501.2 (MANE Select); coding-DNA position 39446, T replaced by C.
Protein change: p.Leu13149Pro; replaces leucine 13149 with proline.
Molecular consequence: missense variant.
Genome position (GRCh38, 1-based): chr19:8,897,616, A>G on the plus strand (T>C on the coding strand, the complement: MUC16 is on the minus strand). VCF-style: chr19-8897616-A-G. GRCh37 (hg19) VCF-style: chr19-9008292-A-G.
Other names: c.39872T>C, p.Leu13291Pro (NM_001414686.1); c.39326T>C, p.Leu13109Pro (NM_001414687.1); c.39260T>C, p.Leu13087Pro (NM_024690.2); short protein forms L13087P, L13109P, L13149P, L13291P.
Identifiers: ClinVar variation 3043702 (VCV003043702.2), dbSNP rs200489243, ClinGen allele CA9164118.
Genomic context (GRCh38, chr19:8,897,616, plus strand): 5'-GTCATCTGGCTCAGCTGCCAGTACAGCTGCTCCCTGTCCAGTCCAGGGCTTTGAGGGTTA[A>G]GGTGGTGGGTGCAGATGGCATCCACTCCAGTGGCTGCCCCATCCTTCTCAGACCTGGGGA-3'
Protein context (NP_001388430.1, residues 13139-13159): TGVDAICTHH[Leu13149Pro]NPQSPGLDRE

ClinVar aggregate classification (germline): Benign (0 of 4 stars; one submission).

Conditions:
MUC16-related disorder. Also called: MUC16-related condition.

Allele frequency attached by ClinVar (database versions not stated): ExAC 0.00001; ESP Exome Variant Server 0.00016; gnomAD 0.01882; 1000 Genomes Project 30x 0.12867.

Submission:

PreventionGenetics, part of Exact Sciences
Classification: Benign for MUC16-related condition. Last evaluated: 2019-06-06. Review status: no assertion criteria provided. Collection method: clinical testing. Allele origin: germline.
Comment: This variant is classified as benign based on ACMG/AMP sequence variant interpretation guidelines (Richards et al. 2015 PMID: 25741868, with internal and published modifications).